The following is an entry in ClinVar:

NM_023004.6(RTN4R):c.1118G>T (p.Gly373Val)

Gene: RTN4R (reticulon 4 receptor; minus strand). Cytogenetic location: 22q11.21.
Variant type: single nucleotide variant.
Coding change: c.1118G>T on transcript NM_023004.6 (MANE Select); coding-DNA position 1118, G replaced by T.
Protein change: p.Gly373Val; replaces glycine 373 with valine.
Molecular consequence: missense variant.
Genome position (GRCh38, 1-based): chr22:20,242,015, C>A on the plus strand (G>T on the coding strand, the complement: RTN4R is on the minus strand). VCF-style: chr22-20242015-C-A. GRCh37 (hg19) VCF-style: chr22-20229538-C-A.
Other names: short protein forms G373V.
Identifiers: ClinVar variation 3768041 (VCV003768041.1).

ClinVar aggregate classification (germline): Uncertain significance (1 of 4 stars; one submission).

Submission:

Women's Health and Genetics/Laboratory Corporation of America, LabCorp
Classification: Uncertain significance. Last evaluated: 2024-12-16. Review status: criteria provided, single submitter. Criteria: LabCorp Variant Classification Summary - May 2015. Collection method: clinical testing. Allele origin: germline.
Comment: Variant summary: RTN4R c.1118G>T (p.Gly373Val) results in a non-conservative amino acid change in the encoded protein sequence. Four of five in-silico tools predict a benign effect of the variant on protein function. The frequency data for this variant in gnomAD is considered unreliable, as metrics indicate poor data quality at this position. To our knowledge, no occurrence of c.1118G>T in individuals affected with Schizophrenia and no experimental evidence demonstrating its impact on protein function have been reported. No submitters have cited clinical-significance assessments for this variant to ClinVar. Based on the evidence outlined above, the variant was classified as uncertain significance.